The following is an entry in ClinVar:

ClinVar aggregate classification (germline): Uncertain significance (1 of 4 stars; one submission).

Conditions:
PCNT-related disorder. Also called: PCNT-related condition.

gnomAD v4.1: 44 of 1,596,438 alleles (0.0028%); highest among the groups gnomAD compares: South Asian, 0.0091%; no homozygotes.

Submission:

PreventionGenetics, part of Exact Sciences
Classification: Uncertain significance for PCNT-related condition. Last evaluated: 2026-07-29. Review status: criteria provided, single submitter. Criteria: ACMG Guidelines, 2015. Collection method: clinical testing. Allele origin: germline.
Comment: The PCNT c.940A>G variant is predicted to result in the amino acid substitution p.Lys314Glu. To our knowledge, this variant has not been reported in the literature. This variant is reported in 0.019% of alleles in individuals of South Asian descent in gnomAD. At this time, the clinical significance of this variant is uncertain due to the absence of conclusive functional and genetic evidence.

NM_006031.6(PCNT):c.940A>G (p.Lys314Glu)

Gene: PCNT (pericentrin; plus strand). Cytogenetic location: 21q22.3.
Variant type: single nucleotide variant.
Coding change: c.940A>G on transcript NM_006031.6 (MANE Select); coding-DNA position 940, A replaced by G.
Protein change: p.Lys314Glu; replaces lysine 314 with glutamic acid.
Molecular consequence: missense variant.
Genome position (GRCh38, 1-based): chr21:46,346,962, A>G. VCF-style: chr21-46346962-A-G. GRCh37 (hg19) VCF-style: chr21-47766876-A-G.
Other names: c.586A>G, p.Lys196Glu (NM_001315529.2); short protein forms K196E, K314E.
Identifiers: ClinVar variation 3357568 (VCV003357568.2).
Genomic context (GRCh38, chr21:46,346,962, plus strand): 5'-CTGCTACAGAGCAGGCAGCAGCACGAGCTGGAGCTCCTCAGGGAGCAGCACGCACGGGAG[A>G]AGGAGGAGGTGGTGCTCAGGTGTGGACAGGAAGCAGGTACTGCATGGCTAGGCGGGCACG-3'
Protein context (NP_006022.3, residues 304-324): ELLREQHARE[Lys314Glu]EEVVLRCGQE